The following is an entry in ClinVar:

ClinVar aggregate classification (germline): Benign/Likely benign. Review status: criteria provided, multiple submitters, no conflicts (2 of 4 stars). 9 submissions from 9 submitters: Benign (6); Likely benign (3). Last evaluated 2026-05-01.

Allele frequency attached by ClinVar (database versions not stated): 1000 Genomes Project 30x 0.00156; 1000 Genomes Project 0.00160; ESP Exome Variant Server 0.00215; gnomAD 0.00216 and 0.00221; TOPMed 0.00296; gnomAD exomes 0.00329; ExAC 0.00385.
gnomAD v4.1: 4,308 of 1,576,586 alleles (0.27%); highest among the groups gnomAD compares: Non-Finnish European, 0.23%; 20 homozygotes.

Submissions (9):

CeGaT Center for Human Genetics Tuebingen
Classification: Likely benign. Last evaluated: 2026-05-01. Review status: criteria provided, single submitter. Criteria: CeGaT Center For Human Genetics Tuebingen Variant Classification Criteria Version 2. Collection method: clinical testing. Allele origin: germline. Affected: yes. Observed: 3 variant alleles.
Comment: CEACAM16: BP4, BS1

Labcorp Genetics (formerly Invitae), Labcorp
Classification: Benign. Last evaluated: 2026-01-19. Review status: criteria provided, single submitter. Criteria: Invitae Variant Classification Sherloc (09022015). Collection method: clinical testing. Allele origin: germline.

Blueprint Genetics
Classification: Likely benign. Last evaluated: 2024-11-27. Review status: criteria provided, single submitter. Criteria: ACMG Guidelines, 2015. Collection method: clinical testing. Allele origin: germline.

Mayo Clinic Laboratories, Mayo Clinic
Classification: Likely benign. Last evaluated: 2024-10-16. Review status: criteria provided, single submitter. Criteria: ACMG Guidelines, 2015. Collection method: clinical testing. Allele origin: germline. Observed: 1 variant allele.
Comment: BS1_supporting, BS2

GeneDx
Classification: Benign. Last evaluated: 2018-09-28. Review status: criteria provided, single submitter. Criteria: GeneDx Variant Classification Process June 2021. Collection method: clinical testing. Allele origin: germline. Affected: yes.

Eurofins Ntd Llc (ga)
Classification: Benign. Last evaluated: 2017-01-17. Review status: criteria provided, single submitter. Criteria: EGL Classification Definitions 2015. Collection method: clinical testing. Allele origin: germline. Observed: 1 variant allele, 1 heterozygote.

Laboratory for Molecular Medicine, Mass General Brigham Personalized Medicine
Classification: Benign. Last evaluated: 2015-04-16. Review status: criteria provided, single submitter. Criteria: LMM Criteria. Collection method: clinical testing. Allele origin: germline. Observed: 7 variant alleles.
Comment: p.Glu118Lys in exon 3 of CEACAM16: This variant is not expected to have clinical significance because it has been identified in 0.5% (188/34916) of European chr omosomes including 1 homozygote by the Exome Aggregation Consortium (ExAC; dbSNP rs183860695).

Breakthrough Genomics
Classification: Benign. Review status: criteria provided, single submitter. Criteria: ACMG Guidelines, 2015. Collection method: not provided. Allele origin: germline. Inheritance: Autosomal recessive inheritance. Affected: yes.

PreventionGenetics, part of Exact Sciences
Classification: Benign. Review status: criteria provided, single submitter. Criteria: ACMG Guidelines, 2015. Collection method: clinical testing. Allele origin: germline.

NM_001039213.4(CEACAM16):c.352G>A (p.Glu118Lys)

Genes: CEACAM16 (CEA cell adhesion molecule 16, tectorial membrane component; plus strand), CEACAM16-AS1 (CEACAM16, CEACAM19 and PVR antisense RNA 1; minus strand). Cytogenetic location: 19q13.32.
Variant type: single nucleotide variant.
Coding change: c.352G>A on transcript NM_001039213.4 (MANE Select); coding-DNA position 352, G replaced by A.
Protein change: p.Glu118Lys; replaces glutamic acid 118 with lysine.
Molecular consequence: missense variant.
Genome position (GRCh38, 1-based): chr19:44,703,663, G>A. VCF-style: chr19-44703663-G-A. GRCh37 (hg19) VCF-style: chr19-45206933-G-A.
Other names: short protein forms E118K.
Identifiers: ClinVar variation 226506 (VCV000226506.30), dbSNP rs183860695, ClinGen allele CA9503019.